The following is an entry in ClinVar:

NM_005560.6(LAMA5):c.11029A>G (p.Met3677Val)

Gene: LAMA5 (laminin subunit alpha 5; minus strand). Cytogenetic location: 20q13.33.
Variant type: single nucleotide variant.
Coding change: c.11029A>G on transcript NM_005560.6 (MANE Select); coding-DNA position 11029, A replaced by G.
Protein change: p.Met3677Val; replaces methionine 3677 with valine.
Molecular consequence: missense variant.
Genome position (GRCh38, 1-based): chr20:62,309,395, T>C on the plus strand (A>G on the coding strand, the complement: LAMA5 is on the minus strand). VCF-style: chr20-62309395-T-C. GRCh37 (hg19) VCF-style: chr20-60884451-T-C.
Other names: short protein forms M3677V.
Identifiers: ClinVar variation 1365364 (VCV001365364.8), dbSNP rs768239153, ClinGen allele CA9939474.

ClinVar aggregate classification (germline): Uncertain significance (1 of 4 stars; one submission).

Allele frequency attached by ClinVar (database versions not stated): gnomAD 0.00002; ExAC 0.00003.
gnomAD v4.1: 16 of 1,588,490 alleles (0.001%); highest among the groups gnomAD compares: Non-Finnish European, 0.000085%; no homozygotes.

Submission:

Labcorp Genetics (formerly Invitae), Labcorp
Classification: Uncertain significance. Last evaluated: 2024-10-25. Review status: criteria provided, single submitter. Criteria: Invitae Variant Classification Sherloc (09022015). Collection method: clinical testing. Allele origin: germline.
Comment: This sequence change replaces methionine, which is neutral and non-polar, with valine, which is neutral and non-polar, at codon 3677 of the LAMA5 protein (p.Met3677Val). The frequency data for this variant in the population databases is considered unreliable, as metrics indicate poor data quality at this position in the gnomAD database. This variant has not been reported in the literature in individuals affected with LAMA5-related conditions. ClinVar contains an entry for this variant (Variation ID: 1365364). Invitae Evidence Modeling of protein sequence and biophysical properties (such as structural, functional, and spatial information, amino acid conservation, physicochemical variation, residue mobility, and thermodynamic stability) indicates that this missense variant is not expected to disrupt LAMA5 protein function with a negative predictive value of 80%. In summary, the available evidence is currently insufficient to determine the role of this variant in disease. Therefore, it has been classified as a Variant of Uncertain Significance.